The following is an entry in ClinVar:

ClinVar aggregate classification (germline): Uncertain significance (1 of 4 stars; one submission).

Conditions:
Dilated cardiomyopathy 1AA (CMD1AA). Also called: CARDIOMYOPATHY, DILATED, 1AA, WITH OR WITHOUT LEFT VENTRICULAR NONCOMPACTION; CARDIOMYOPATHY, FAMILIAL HYPERTROPHIC, 23, WITH OR WITHOUT LEFT VENTRICULAR NONCOMPACTION; Cardiomyopathy, dilated, 1AA, with or without LVNC. Identifiers: Orphanet 154, MedGen C2677338, MONDO:0012808, OMIM 612158.
Primary familial hypertrophic cardiomyopathy (HCM). Identifiers: Orphanet 99739, MedGen C0949658, MeSH D024741, MONDO:0024573. Inheritance: Various modes of inheritance.

gnomAD v4.1: 1 of 1,614,202 alleles (0.000062%); highest among the groups gnomAD compares: South Asian, 0.0011%; no homozygotes.

Submission:

Labcorp Genetics (formerly Invitae), Labcorp
Classification: Uncertain significance for Primary familial hypertrophic cardiomyopathy; Dilated cardiomyopathy 1AA. Last evaluated: 2025-06-06. Review status: criteria provided, single submitter. Criteria: Invitae Variant Classification Sherloc (09022015). Collection method: clinical testing. Allele origin: germline.
Comment: This sequence change replaces glycine, which is neutral and non-polar, with glutamic acid, which is acidic and polar, at codon 697 of the ACTN2 protein (p.Gly697Glu). This variant is present in population databases (rs772862873, gnomAD 0.003%). This variant has not been reported in the literature in individuals affected with ACTN2-related conditions. Invitae Evidence Modeling of protein sequence and biophysical properties (such as structural, functional, and spatial information, amino acid conservation, physicochemical variation, residue mobility, and thermodynamic stability) indicates that this missense variant is not expected to disrupt ACTN2 protein function with a negative predictive value of 80%. In summary, the available evidence is currently insufficient to determine the role of this variant in disease. Therefore, it has been classified as a Variant of Uncertain Significance.

NM_001103.4(ACTN2):c.2090G>A (p.Gly697Glu)

Gene: ACTN2 (actinin alpha 2; plus strand). Cytogenetic location: 1q43.
Variant type: single nucleotide variant.
Coding change: c.2090G>A on transcript NM_001103.4 (MANE Select); coding-DNA position 2090, G replaced by A.
Protein change: p.Gly697Glu; replaces glycine 697 with glutamic acid.
Molecular consequence: missense variant. On other transcripts: non-coding transcript variant (1).
Genome position (GRCh38, 1-based): chr1:236,755,134, G>A. VCF-style: chr1-236755134-G-A. GRCh37 (hg19) VCF-style: chr1-236918434-G-A.
Other names: c.2090G>A, p.Gly697Glu (NM_001278343.2); short protein forms G697E.
Identifiers: ClinVar variation 4794409 (VCV004794409.1).
Genomic context (GRCh38, chr1:236,755,134, plus strand): 5'-AGCTGAAGCAGTATGAGCACAACATCATCAACTATAAGAACAACATCGACAAGCTGGAGG[G>A]AGACCATCAGCTCATCCAGGAGGCCCTTGTCTTTGACAACAAGCACACGAACTACACGAT-3'
Protein context (NP_001094.1, residues 687-707): NYKNNIDKLE[Gly697Glu]DHQLIQEALV